The following is an entry in ClinVar:

ClinVar aggregate classification (germline): Pathogenic/Likely pathogenic. Review status: criteria provided, multiple submitters, no conflicts (2 of 4 stars). 3 submissions from 3 submitters: Pathogenic (2); Likely pathogenic (1). Last evaluated 2025-02-06.

Conditions:
GM1 gangliosidosis type 3. Also called: GANGLIOSIDOSIS, GENERALIZED GM1, ADULT TYPE; GANGLIOSIDOSIS, GENERALIZED GM1, CHRONIC TYPE; GANGLIOSIDOSIS, GENERALIZED GM1, TYPE III; Gangliosidosis, Generalized GM1, Type 3; Beta-galactosidase deficiency; Adult GM1 gangliosidosis. Identifiers: Orphanet 79257, MedGen C0268273, MONDO:0009262, OMIM 230650.
GM1 gangliosidosis type 2. Also called: GANGLIOSIDOSIS, GENERALIZED GM1, JUVENILE TYPE; GANGLIOSIDOSIS, GENERALIZED GM1, TYPE II; Gangliosidosis, Generalized GM1, Type 2; Juvenile GM>1< gangliosidosis; GM1-GANGLIOSIDOSIS, TYPE II. Identifiers: Orphanet 354, Orphanet 79256, MedGen C0268272, MONDO:0009261, OMIM 230600.
Mucopolysaccharidosis, MPS-IV-B (MPS4B). Also called: Mucopolysaccharidosis type IV B; Mucopolysaccharidosis Type IVB (Morquio B Disease); Mucopolysaccharidosis type 4B; Mucopolysaccharidosis type IVB (Morquio); MPS IVB; Mucopolysaccharidosis Type IVB. Identifiers: Orphanet 309310, Orphanet 582, MedGen C0086652, MONDO:0009660, OMIM 253010.
Infantile GM1 gangliosidosis. Also called: Gangliosidosis, Generalized GM1, Type 1; GM1-gangliosidosis, type I; Gangliosidosis, generalized GM1, infantile form; GLB1 deficiency; GM1 gangliosidosis type 1. Identifiers: Orphanet 354, Orphanet 79255, MedGen C0268271, MONDO:0009260, OMIM 230500.
GM1 gangliosidosis. Identifiers: Orphanet 354, MedGen C0085131, MONDO:0018149.

Allele frequency attached by ClinVar (database versions not stated): TOPMed below 0.00001; gnomAD 0.00001; gnomAD exomes 0.00001 and 0.00003; ExAC 0.00002; ESP Exome Variant Server 0.00008.
gnomAD v4.1: 40 of 1,613,940 alleles (0.0025%); highest among the groups gnomAD compares: Non-Finnish European, 0.0032%; no homozygotes.

Submissions (3):

Natera, Inc.
Classification: Pathogenic for Mucopolysaccharidosis, MPS-IV-B. Last evaluated: 2025-02-06. Review status: criteria provided, single submitter. Criteria: Natera Variant Classification Schema (03/2026). Collection method: clinical testing. Allele origin: germline.
Comment: The c.931G>A variant in GLB1 is a missense variant predicted to cause substitution of glycine to arginine at amino acid 311. This variant is rare in the general population with a frequency below the threshold expected for the associated phenotype(s). This variant has been observed in one or more individuals affected with the associated recessive disease, as either homozygous or compound heterozygous with a second variant (PMID: 23430499, 26108645, 33027564, 33737400). Computational prediction algorithms indicate this variant is likely to affect gene or protein function. Given the available evidence, this variant is classified as Pathogenic.

Fulgent Genetics
Classification: Likely pathogenic for Infantile GM1 gangliosidosis; GM1 gangliosidosis type 2; GM1 gangliosidosis type 3; Mucopolysaccharidosis, MPS-IV-B. Last evaluated: 2024-02-23. Review status: criteria provided, single submitter. Criteria: ACMG Guidelines, 2015. Collection method: clinical testing. Allele origin: germline.

Labcorp Genetics (formerly Invitae), Labcorp
Classification: Pathogenic for Mucopolysaccharidosis, MPS-IV-B; GM1 gangliosidosis. Last evaluated: 2023-03-08. Review status: criteria provided, single submitter. Criteria: Invitae Variant Classification Sherloc (09022015). Collection method: clinical testing. Allele origin: germline.
Comment: For these reasons, this variant has been classified as Pathogenic. Advanced modeling of protein sequence and biophysical properties (such as structural, functional, and spatial information, amino acid conservation, physicochemical variation, residue mobility, and thermodynamic stability) performed at Invitae indicates that this missense variant is expected to disrupt GLB1 protein function. ClinVar contains an entry for this variant (Variation ID: 854615). This missense change has been observed in individual(s) with clinical features of GM1 gangliosidosis and Morquio B syndrome (PMID: 23430499, 26108645). In at least one individual the data is consistent with being in trans (on the opposite chromosome) from a pathogenic variant. This variant is present in population databases (rs368568171, gnomAD 0.002%). This sequence change replaces glycine, which is neutral and non-polar, with arginine, which is basic and polar, at codon 311 of the GLB1 protein (p.Gly311Arg).

Literature cited by the submitters: PubMed 23430499 (cited by Natera, Inc. and Labcorp Genetics (formerly Invitae), Labcorp); PubMed 26108645 (cited by Natera, Inc. and Labcorp Genetics (formerly Invitae), Labcorp); PubMed 33027564 (cited by Natera, Inc.); PubMed 33737400 (cited by Natera, Inc.).

NM_000404.4(GLB1):c.931G>A (p.Gly311Arg)

Gene: GLB1 (galactosidase beta 1; minus strand). Cytogenetic location: 3p22.3.
Variant type: single nucleotide variant.
Coding change: c.931G>A on transcript NM_000404.4 (MANE Select); coding-DNA position 931, G replaced by A.
Protein change: p.Gly311Arg; replaces glycine 311 with arginine.
Molecular consequence: missense variant.
Genome position (GRCh38, 1-based): chr3:33,051,782, C>T on the plus strand (G>A on the coding strand, the complement: GLB1 is on the minus strand). VCF-style: chr3-33051782-C-T. GRCh37 (hg19) VCF-style: chr3-33093274-C-T.
Other names: c.841G>A, p.Gly281Arg (NM_001079811.3); c.538G>A, p.Gly180Arg (NM_001135602.3); c.1075G>A, p.Gly359Arg (NM_001317040.2); c.931G>A, p.Gly311Arg (NM_001393580.1); c.931G>A (NM_000404.3); short protein forms G180R, G311R, G281R, G359R.
Identifiers: ClinVar variation 854615 (VCV000854615.10), dbSNP rs368568171, ClinGen allele CA2299555.